The following is an entry in ClinVar:

ClinVar aggregate classification (germline): Uncertain significance (1 of 4 stars; one submission).

Submission:

Labcorp Genetics (formerly Invitae), Labcorp
Classification: Uncertain significance. Last evaluated: 2025-04-26. Review status: criteria provided, single submitter. Criteria: Invitae Variant Classification Sherloc (09022015). Collection method: clinical testing. Allele origin: germline.
Comment: This sequence change replaces glycine, which is neutral and non-polar, with alanine, which is neutral and non-polar, at codon 118 of the ALPK3 protein (p.Gly118Ala). This variant is not present in population databases (gnomAD no frequency). This variant has not been reported in the literature in individuals affected with ALPK3-related conditions. ClinVar contains an entry for this variant (Variation ID: 2753318). An algorithm developed to predict the effect of missense changes on protein structure and function outputs the following: PolyPhen-2: "Possibly Damaging". The alanine amino acid residue is found in multiple mammalian species, which suggests that this missense change does not adversely affect protein function. In summary, the available evidence is currently insufficient to determine the role of this variant in disease. Therefore, it has been classified as a Variant of Uncertain Significance.

NC_000015.10:g.84817199G>C

Gene: ALPK3 (alpha kinase 3; plus strand). Cytogenetic location: 15q25.3.
Variant type: single nucleotide variant.
Genome position: GRCh38 VCF-style: chr15-84817199-G-C. GRCh37 (hg19) VCF-style: chr15-85360430-G-C.
Identifiers: ClinVar variation 2753318 (VCV002753318.3), dbSNP rs760781429, ClinGen allele CA393368741.
Genomic context (GRCh38, chr15:84,817,199, plus strand): 5'-GGCCTCCCGGGCCTCTCCAGACGCGGCGCTACTGCAGACACCAGGGCCGCCAAGGGAGCG[G>C]ACTCGGAGCCGGCCCTGGGGCGGGCACATGGGCCCCGGCGCCCCCCGGCGTCTCCAAGCC-3'